The following is an entry in ClinVar:

ClinVar aggregate classification (germline): Uncertain significance (1 of 4 stars; one submission).

Conditions:
Developmental and epileptic encephalopathy. Identifiers: MedGen C5779964, MONDO:0100620.

Allele frequency attached by ClinVar (database versions not stated): TOPMed 0.00004; gnomAD 0.00006; ExAC 0.00007; ESP Exome Variant Server 0.00008; gnomAD exomes 0.00008.
gnomAD v4.1: 132 of 1,613,980 alleles (0.0082%); highest among the groups gnomAD compares: Middle Eastern, 0.016%; no homozygotes.

Submission:

Labcorp Genetics (formerly Invitae), Labcorp
Classification: Uncertain significance for Early-infantile DEE. Last evaluated: 2025-01-13. Review status: criteria provided, single submitter. Criteria: Invitae Variant Classification Sherloc (09022015). Collection method: clinical testing. Allele origin: germline.
Comment: This sequence change replaces asparagine, which is neutral and polar, with lysine, which is basic and polar, at codon 898 of the CACNA2D2 protein (p.Asn898Lys). This variant is present in population databases (rs146694990, gnomAD 0.01%). This variant has not been reported in the literature in individuals affected with CACNA2D2-related conditions. ClinVar contains an entry for this variant (Variation ID: 653901). An algorithm developed to predict the effect of missense changes on protein structure and function (PolyPhen-2) suggests that this variant¬†is likely to be tolerated. In summary, the available evidence is currently insufficient to determine the role of this variant in disease. Therefore, it has been classified as a Variant of Uncertain Significance.

NM_006030.4(CACNA2D2):c.2694C>A (p.Asn898Lys)

Genes: CACNA2D2 (calcium voltage-gated channel auxiliary subunit alpha2delta 2; minus strand), LOC101928965 (uncharacterized LOC101928965; plus strand), LOC127898564 (CYB561D2-LOC101928965; plus strand). Cytogenetic location: 3p21.31.
Variant type: single nucleotide variant.
Coding change: c.2694C>A on transcript NM_006030.4 (MANE Select); coding-DNA position 2694, C replaced by A.
Protein change: p.Asn898Lys; replaces asparagine 898 with lysine.
Molecular consequence: missense variant.
Genome position (GRCh38, 1-based): chr3:50,366,282, G>T on the plus strand (C>A on the coding strand, the complement: CACNA2D2 is on the minus strand). VCF-style: chr3-50366282-G-T. GRCh37 (hg19) VCF-style: chr3-50403713-G-T.
Other names: c.2694C>A, p.Asn898Lys (NM_001005505.3); c.2715C>A, p.Asn905Lys (NM_001174051.3); c.2487C>A, p.Asn829Lys (NM_001291101.1); short protein forms N898K, N905K, N829K.
Identifiers: ClinVar variation 653901 (VCV000653901.6), dbSNP rs146694990, ClinGen allele CA2418399.